The following is an entry in ClinVar:

NM_001127222.2(CACNA1A):c.1275A>G (p.Ile425Met)

Gene: CACNA1A (calcium voltage-gated channel subunit alpha1 A; minus strand). Cytogenetic location: 19p13.13.
Variant type: single nucleotide variant.
Coding change: c.1275A>G on transcript NM_001127222.2 (MANE Select); coding-DNA position 1275, A replaced by G.
Protein change: p.Ile425Met; replaces isoleucine 425 with methionine.
Molecular consequence: missense variant.
Genome position (GRCh38, 1-based): chr19:13,330,314, T>C on the plus strand (A>G on the coding strand, the complement: CACNA1A is on the minus strand). VCF-style: chr19-13330314-T-C. GRCh37 (hg19) VCF-style: chr19-13441128-T-C.
Other names: c.1278A>G, p.Ile426Met (NM_000068.4, NM_001127221.2, NM_001174080.2 and 1 more transcripts); short protein forms I425M, I426M.
Identifiers: ClinVar variation 4823584 (VCV004823584.4).

ClinVar aggregate classification (germline): Uncertain significance (1 of 4 stars; one submission).

Submission:

CeGaT Center for Human Genetics Tuebingen
Classification: Uncertain significance. Last evaluated: 2026-03-01. Review status: criteria provided, single submitter. Criteria: CeGaT Center For Human Genetics Tuebingen Variant Classification Criteria Version 2. Collection method: clinical testing. Allele origin: germline. Affected: yes. Observed: 1 variant allele.
Comment: CACNA1A: PM2